The following is an entry in ClinVar:

ClinVar aggregate classification (germline): Uncertain significance (1 of 4 stars; one submission).

Conditions:
Developmental and epileptic encephalopathy, 34 (DEE34). Also called: Early infantile epileptic encephalopathy 34; SLC12A5-Related Epilepsy of Infancy with Migrating Focal Seizures. Identifiers: Orphanet 293181, MedGen C4225257, MONDO:0014718, OMIM 616645.

Allele frequency attached by ClinVar (database versions not stated): ExAC 0.00001.
gnomAD v4.1: 10 of 1,547,654 alleles (0.00065%); highest among the groups gnomAD compares: Admixed American, 0.0037%; no homozygotes.

Submission:

Labcorp Genetics (formerly Invitae), Labcorp
Classification: Uncertain significance for Developmental and epileptic encephalopathy, 34. Last evaluated: 2024-02-26. Review status: criteria provided, single submitter. Criteria: Invitae Variant Classification Sherloc (09022015). Collection method: clinical testing. Allele origin: germline.
Comment: This sequence change replaces arginine, which is basic and polar, with histidine, which is basic and polar, at codon 780 of the SLC12A5 protein (p.Arg780His). This variant is present in population databases (rs779096129, gnomAD 0.004%). This variant has not been reported in the literature in individuals affected with SLC12A5-related conditions. ClinVar contains an entry for this variant (Variation ID: 2202292). Advanced modeling of protein sequence and biophysical properties (such as structural, functional, and spatial information, amino acid conservation, physicochemical variation, residue mobility, and thermodynamic stability) performed at Invitae indicates that this missense variant is not expected to disrupt SLC12A5 protein function with a negative predictive value of 80%. In summary, the available evidence is currently insufficient to determine the role of this variant in disease. Therefore, it has been classified as a Variant of Uncertain Significance.

NM_020708.5(SLC12A5):c.2339G>A (p.Arg780His)

Gene: SLC12A5 (solute carrier family 12 member 5; plus strand). Cytogenetic location: 20q13.12.
Variant type: single nucleotide variant.
Coding change: c.2339G>A on transcript NM_020708.5 (MANE Select); coding-DNA position 2339, G replaced by A.
Protein change: p.Arg780His; replaces arginine 780 with histidine.
Molecular consequence: missense variant.
Genome position (GRCh38, 1-based): chr20:46,051,832, G>A. VCF-style: chr20-46051832-G-A. GRCh37 (hg19) VCF-style: chr20-44680471-G-A.
Other names: c.2408G>A, p.Arg803His (NM_001134771.2); short protein forms R780H, R803H.
Identifiers: ClinVar variation 2202292 (VCV002202292.2), dbSNP rs779096129, ClinGen allele CA9887573.